The following is an entry in ClinVar:

ClinVar aggregate classification (germline): Likely pathogenic (1 of 4 stars; one submission).

Conditions:
Growth delay due to insulin-like growth factor I resistance. Also called: Somatomedin end-organ insensitivity to; Somatomedin-c resistance to; IGF-1 resistance; IGF-I RESISTANCE; Insulin-Like Growth Factor I Resistance. Identifiers: Orphanet 73273, MedGen C1849157, MONDO:0010038, OMIM 270450.

Submission:

Juno Genomics, Hangzhou Juno Genomics, Inc
Classification: Likely pathogenic for Growth delay due to insulin-like growth factor I resistance. Review status: criteria provided, single submitter. Criteria: ACMG Guidelines, 2015. Collection method: clinical testing. Allele origin: germline. Affected: yes.
Comment: Absent from controls (or at extremely low frequency if recessive) in Genome Aggregation Database, Exome Sequencing Project, 1000 Genomes Project, or Exome Aggregation Consortium.;Multiple lines of computational evidence support a deleterious effect on the gene or gene product (conservation, evolutionary, splicing impact, etc).;Missense variant in a gene that has a low rate of benign missense variation and where missense variants are a common mechanism of disease.

NM_000875.5(IGF1R):c.3634C>A (p.Pro1212Thr)

Gene: IGF1R (insulin like growth factor 1 receptor; plus strand). Cytogenetic location: 15q26.3.
Variant type: single nucleotide variant.
Coding change: c.3634C>A on transcript NM_000875.5 (MANE Select); coding-DNA position 3634, C replaced by A.
Protein change: p.Pro1212Thr; replaces proline 1212 with threonine.
Molecular consequence: missense variant.
Genome position (GRCh38, 1-based): chr15:98,948,620, C>A. VCF-style: chr15-98948620-C-A. GRCh37 (hg19) VCF-style: chr15-99491849-C-A.
Other names: c.3631C>A, p.Pro1211Thr (NM_001291858.2); short protein forms P1211T, P1212T.
Identifiers: ClinVar variation 3382778 (VCV003382778.2).
Genomic context (GRCh38, chr15:98,948,620, plus strand): 5'-TTTTCTCCCTGTAGGTCCTTCGGGGTCGTCCTCTGGGAGATCGCCACACTGGCCGAGCAG[C>A]CCTACCAGGGCTTGTCCAACGAGCAAGTCCTTCGCTTCGTCATGGAGGGCGGCCTTCTGG-3'
Protein context (NP_000866.1, residues 1202-1222): LWEIATLAEQ[Pro1212Thr]YQGLSNEQVL